The following is an entry in ClinVar:

ClinVar aggregate classification (germline): Pathogenic (1 of 4 stars; one submission).

Conditions:
Ataxia-telangiectasia syndrome (AT). Also called: LOUIS-BAR SYNDROME; Cerebello-oculocutaneous telangiectasia; Immunodeficiency with ataxia telangiectasia; AT, COMPLEMENTATION GROUP C; Ataxia-telangiectasia, complementation group D; ATAXIA-TELANGIECTASIA, COMPLEMENTATION GROUP A. Identifiers: Orphanet 100, MedGen C0004135, MONDO:0008840, OMIM 208900.

Submission:

Labcorp Genetics (formerly Invitae), Labcorp
Classification: Pathogenic for Ataxia-telangiectasia syndrome. Last evaluated: 2023-10-09. Review status: criteria provided, single submitter. Criteria: Invitae Variant Classification Sherloc (09022015). Collection method: clinical testing. Allele origin: unknown.
Comment: This variant is a gross deletion of the genomic region encompassing exon(s) 17-63 of the ATM gene, which includes the termination codon. This deletion extends beyond the assayed region for this gene and therefore may encompass additional genes. While this deletion is not anticipated to lead to nonsense mediated decay, it is expected to alter mRNA translation or result in a truncated protein product. This variant has not been reported in the literature in individuals affected with ATM-related conditions. This variant disrupts a region of the ATM protein in which other variant(s) (deletion of exons 38-63, exons 46-63, exons 57-63 and exons 62-63) have been determined to be pathogenic (PMID: 9443866, 23807571, 25614872). This suggests that this is a clinically significant region of the protein, and that variants that disrupt it are likely to be disease-causing. For these reasons, this variant has been classified as Pathogenic.

Literature cited by the submitters: PubMed 9443866; PubMed 23807571; PubMed 25614872.

NC_000011.9:g.(?_108137878)_(108236235_?)del

Gene: ATM (ATM serine/threonine kinase; plus strand). Cytogenetic location: 11q22.3.
Variant type: Deletion.
Identifiers: ClinVar variation 3244465 (VCV003244465.1).